The following is an entry in ClinVar:

ClinVar aggregate classification (germline): Uncertain significance (1 of 4 stars; one submission).

Conditions:
Hereditary cancer-predisposing syndrome. Also called: Neoplastic Syndromes, Hereditary; Tumor predisposition; Hereditary neoplastic syndrome; Hereditary Cancer Syndrome. Identifiers: Orphanet 140162, MedGen C0027672, MeSH D009386, MONDO:0015356.

Submission:

Labcorp Genetics (formerly Invitae), Labcorp
Classification: Uncertain significance for Hereditary cancer-predisposing syndrome. Last evaluated: 2018-07-25. Review status: criteria provided, single submitter. Criteria: Invitae Variant Classification Sherloc (09022015). Collection method: clinical testing. Allele origin: germline.
Comment: In summary, the available evidence is currently insufficient to determine the role of this variant in disease. Therefore, it has been classified as a Variant of Uncertain Significance. Algorithms developed to predict the effect of missense changes on protein structure and function are either unavailable or do not agree on the potential impact of this missense change (SIFT: "Deleterious"; PolyPhen-2: "Probably Damaging"; Align-GVGD: "Class C0"). This variant has not been reported in the literature in individuals with RAD50-related disease. This variant is not present in population databases (ExAC no frequency). This sequence change replaces leucine with histidine at codon 481 of the RAD50 protein (p.Leu481His). The leucine residue is moderately conserved and there is a moderate physicochemical difference between leucine and histidine.

NM_005732.4(RAD50):c.1442T>A (p.Leu481His)

Gene: RAD50 (RAD50 double strand break repair protein; plus strand). Cytogenetic location: 5q31.1.
Variant type: single nucleotide variant.
Coding change: c.1442T>A on transcript NM_005732.4 (MANE Select); coding-DNA position 1442, T replaced by A.
Protein change: p.Leu481His; replaces leucine 481 with histidine.
Molecular consequence: missense variant.
Genome position (GRCh38, 1-based): chr5:132,589,827, T>A. VCF-style: chr5-132589827-T-A. GRCh37 (hg19) VCF-style: chr5-131925519-T-A.
Other names: short protein forms L481H.
Identifiers: ClinVar variation 643393 (VCV000643393.9), dbSNP rs1580993602, ClinGen allele CA360944934.